The following is an entry in ClinVar:

NM_001429.4(EP300):c.2736G>A (p.Gln912=)

Gene: EP300 (E1A binding protein p300; plus strand). Cytogenetic location: 22q13.2.
Variant type: single nucleotide variant.
Coding change: c.2736G>A on transcript NM_001429.4 (MANE Select); coding-DNA position 2736, G replaced by A.
Protein change: p.Gln912=; no amino-acid change (glutamine 912 retained).
Molecular consequence: synonymous variant.
Genome position (GRCh38, 1-based): chr22:41,150,117, G>A. VCF-style: chr22-41150117-G-A. GRCh37 (hg19) VCF-style: chr22-41546121-G-A.
Other names: c.2658G>A, p.Gln886= (NM_001362843.2).
Identifiers: ClinVar variation 3356490 (VCV003356490.1).

ClinVar aggregate classification (germline): Likely benign (0 of 4 stars; one submission).

Conditions:
EP300-related disorder. Also called: EP300-related disorders; EP300-related condition.

Submission:

PreventionGenetics, part of Exact Sciences
Classification: Likely benign for EP300-related condition. Last evaluated: 2023-07-28. Review status: no assertion criteria provided. Collection method: clinical testing. Allele origin: germline.
Comment: This variant is classified as likely benign based on ACMG/AMP sequence variant interpretation guidelines (Richards et al. 2015 PMID: 25741868, with internal and published modifications).